The following is an entry in ClinVar:

ClinVar aggregate classification (germline): Likely benign. Review status: criteria provided, multiple submitters, no conflicts (2 of 4 stars). 3 submissions from 3 submitters: Likely benign (2). 1 of the submissions does not count toward it. Last evaluated 2026-08-01.

Conditions:
FMN2-related disorder. Also called: FMN2-related condition.

Allele frequency attached by ClinVar (database versions not stated): ExAC 0.00009; ESP Exome Variant Server 0.01009.

Submissions (3):

CeGaT Center for Human Genetics Tuebingen
Classification: Likely benign. Last evaluated: 2026-08-01. Review status: criteria provided, single submitter. Criteria: CeGaT Center For Human Genetics Tuebingen Variant Classification Criteria Version 2. Collection method: clinical testing. Allele origin: germline. Affected: yes. Observed: 27 variant alleles.
Comment: FMN2: BP4, BP7

Blueprint Genetics
Classification: Likely benign. Last evaluated: 2024-09-13. Review status: criteria provided, single submitter. Criteria: ACMG Guidelines, 2015. Collection method: clinical testing. Allele origin: germline.

PreventionGenetics, part of Exact Sciences
Classification: Likely benign for FMN2-related condition. Last evaluated: 2020-06-08. Review status: no assertion criteria provided. Collection method: clinical testing. Allele origin: germline. Not counted in ClinVar's aggregate classification.
Comment: This variant is classified as likely benign based on ACMG/AMP sequence variant interpretation guidelines (Richards et al. 2015 PMID: 25741868, with internal and published modifications).

NM_020066.5(FMN2):c.3396T>G (p.Pro1132=)

Gene: FMN2 (formin 2; plus strand). Cytogenetic location: 1q43.
Variant type: single nucleotide variant.
Coding change: c.3396T>G on transcript NM_020066.5 (MANE Select); coding-DNA position 3396, T replaced by G.
Protein change: p.Pro1132=; no amino-acid change (proline 1132 retained).
Molecular consequence: synonymous variant. On other transcripts: intron variant (1).
Genome position (GRCh38, 1-based): chr1:240,208,208, T>G. VCF-style: chr1-240208208-T-G. GRCh37 (hg19) VCF-style: chr1-240371508-T-G.
Other names: c.3396T>G (NM_020066.4); c.3408T>G, p.Pro1136= (NM_001305424.2); c.1986+19946T>G (NM_001348094.2).
Identifiers: ClinVar variation 2640190 (VCV002640190.26), dbSNP rs201646328, ClinGen allele CA1477154.
Genomic context (GRCh38, chr1:240,208,208, plus strand): 5'-TCTACCCGGAGCGGGCATACCCCCTCCTCCCCCTCTACCCGGAGCGGGCATACCCCCTCC[T>G]CCCCCTCTTCCCGGAGCGGGCATACCTCCTCCACCCCCTCTACCCAGAGTGGGCATACCC-3'
Protein context (NP_064450.3, residues 1122-1142): PPLPGAGIPP[Pro1132=]PPLPGAGIPP